The following is an entry in ClinVar:

ClinVar aggregate classification (germline): Uncertain significance (1 of 4 stars; one submission).

Submission:

Ambry Genetics
Classification: Uncertain significance. Last evaluated: 2025-03-27. Review status: criteria provided, single submitter. Criteria: Ambry Variant Classification Scheme 2023. Collection method: clinical testing. Allele origin: germline.
Comment: The p.E284K variant (also known as c.850G>A), located in coding exon 7 of the RAD51B gene, results from a G to A substitution at nucleotide position 850. The glutamic acid at codon 284 is replaced by lysine, an amino acid with similar properties. This amino acid position is conserved. In addition, this alteration is predicted to be tolerated by in silico analysis. Based on the available evidence, the clinical significance of this variant remains unclear.

NM_133510.4(RAD51B):c.850G>A (p.Glu284Lys)

Gene: RAD51B (RAD51 paralog B; plus strand). Cytogenetic location: 14q24.1.
Variant type: single nucleotide variant.
Coding change: c.850G>A on transcript NM_133510.4 (MANE Select); coding-DNA position 850, G replaced by A.
Protein change: p.Glu284Lys; replaces glutamic acid 284 with lysine.
Molecular consequence: missense variant.
Genome position (GRCh38, 1-based): chr14:68,291,977, G>A. VCF-style: chr14-68291977-G-A. GRCh37 (hg19) VCF-style: chr14-68758694-G-A.
Other names: c.850G>A, p.Glu284Lys (NM_001321809.2, NM_001321810.2, NM_001321812.1 and 6 more transcripts); c.736G>A, p.Glu246Lys (NM_001321815.1); c.493G>A, p.Glu165Lys (NM_001321817.2); short protein forms E284K, E246K, E165K.
Identifiers: ClinVar variation 3942276 (VCV003942276.1).